The following is an entry in ClinVar:

NM_000059.4(BRCA2):c.3905C>T (p.Thr1302Ile)

Gene: BRCA2 (BRCA2 DNA repair associated; plus strand). Cytogenetic location: 13q13.1.
Variant type: single nucleotide variant.
Coding change: c.3905C>T on transcript NM_000059.4 (MANE Select); coding-DNA position 3905, C replaced by T.
Protein change: p.Thr1302Ile; replaces threonine 1302 with isoleucine.
Molecular consequence: missense variant.
Genome position (GRCh38, 1-based): chr13:32,338,260, C>T. VCF-style: chr13-32338260-C-T. GRCh37 (hg19) VCF-style: chr13-32912397-C-T.
Other names: short protein forms T1302I.
Identifiers: ClinVar variation 479283 (VCV000479283.22), dbSNP rs80358634, ClinGen allele CA247506143.

ClinVar aggregate classification (germline): Conflicting classifications of pathogenicity. Review status: criteria provided, conflicting classifications (1 of 4 stars). 5 submissions from 5 submitters: Uncertain significance (4); Likely benign (1). Last evaluated 2025-11-16.

Conditions:
Hereditary breast ovarian cancer syndrome. Also called: Hereditary breast and ovarian cancer syndrome (HBOC); Hereditary breast and ovarian cancer syndrome; Breast and ovarian cancer; BRCA1- and BRCA2-Associated Hereditary Breast and Ovarian Cancer; Hereditary breast and ovarian cancer; Hereditary breast and/or ovarian cancer syndrome. Identifiers: Orphanet 145, MedGen C0677776, MeSH D061325, MONDO:0003582. Disease mechanism: loss of function.
Hereditary cancer-predisposing syndrome. Also called: Neoplastic Syndromes, Hereditary; Hereditary Cancer Syndrome; Hereditary neoplastic syndrome; Tumor predisposition. Identifiers: Orphanet 140162, MedGen C0027672, MeSH D009386, MONDO:0015356.

Allele frequency attached by ClinVar (database versions not stated): gnomAD exomes below 0.00001; gnomAD 0.00001.
gnomAD v4.1: 2 of 1,560,432 alleles (0.00013%); highest among the groups gnomAD compares: African/African-American, 0.0014%; no homozygotes.

Submissions (5):

Ambry Genetics
Classification: Uncertain significance for Hereditary cancer-predisposing syndrome. Last evaluated: 2025-11-16. Review status: criteria provided, single submitter. Criteria: Ambry Variant Classification Scheme 2023. Collection method: clinical testing. Allele origin: germline.
Comment: The p.T1302I variant (also known as c.3905C>T), located in coding exon 10 of the BRCA2 gene, results from a C to T substitution at nucleotide position 3905. The threonine at codon 1302 is replaced by isoleucine, an amino acid with similar properties. This amino acid position is poorly conserved in available vertebrate species. In addition, this alteration is predicted to be tolerated by in silico analysis. Since supporting evidence is limited at this time, the clinical significance of this alteration remains unclear.

Labcorp Genetics (formerly Invitae), Labcorp
Classification: Uncertain significance for Hereditary breast ovarian cancer syndrome. Last evaluated: 2024-07-22. Review status: criteria provided, single submitter. Criteria: Invitae Variant Classification Sherloc (09022015). Collection method: clinical testing. Allele origin: germline.
Comment: This sequence change replaces threonine, which is neutral and polar, with isoleucine, which is neutral and non-polar, at codon 1302 of the BRCA2 protein (p.Thr1302Ile). This variant is not present in population databases (gnomAD no frequency). This variant has not been reported in the literature in individuals affected with BRCA2-related conditions. ClinVar contains an entry for this variant (Variation ID: 479283). Advanced modeling of protein sequence and biophysical properties (such as structural, functional, and spatial information, amino acid conservation, physicochemical variation, residue mobility, and thermodynamic stability) performed at Invitae indicates that this missense variant is not expected to disrupt BRCA2 protein function with a negative predictive value of 95%. In summary, the available evidence is currently insufficient to determine the role of this variant in disease. Therefore, it has been classified as a Variant of Uncertain Significance.

Quest Diagnostics Nichols Institute San Juan Capistrano
Classification: Uncertain significance. Last evaluated: 2023-04-17. Review status: criteria provided, single submitter. Criteria: Quest Diagnostics criteria. Collection method: clinical testing. Allele origin: unknown.
Comment: The frequency of this variant in the general population, 0.0000066 (1/152104 chromosomes), is uninformative in assessment of its pathogenicity. In the published literature, the variant has not been reported in individuals with BRCA2-related disease. Analysis of this variant using bioinformatics tools for the prediction of the effect of amino acid changes on protein structure and function yielded predictions that this variant is benign. Based on the available information, we are unable to determine the clinical significance of this variant.

University of Washington Department of Laboratory Medicine, University of Washington
Classification: Likely benign for Hereditary cancer-predisposing syndrome. Last evaluated: 2023-03-23. Review status: criteria provided, single submitter. Criteria: Dines et al. (Genet Med. 2020). Collection method: curation. Allele origin: germline.
Comment: Missense variant in a coldspot region where missense variants are very unlikely to be pathogenic (PMID:31911673).

BRCA2 exon 11 coldspot. Reclassification based on statistical prior probability.

Color Diagnostics, LLC DBA Color Health
Classification: Uncertain significance for Hereditary cancer-predisposing syndrome. Last evaluated: 2022-11-16. Review status: criteria provided, single submitter. Criteria: ACMG Guidelines, 2015. Collection method: clinical testing. Allele origin: germline.
Comment: This missense variant replaces threonine with isoleucine at codon 1302 of the BRCA2 protein. Computational prediction suggests that this variant may not impact protein structure and function (internally defined REVEL score threshold <= 0.5, PMID: 27666373). To our knowledge, functional studies have not been reported for this variant. This variant has not been reported in individuals affected with BRCA2-related disorders in the literature. This variant has not been identified in the general population by the Genome Aggregation Database (gnomAD). The available evidence is insufficient to determine the role of this variant in disease conclusively. Therefore, this variant is classified as a Variant of Uncertain Significance.

Literature cited by the submitters: PubMed 31911673 (cited by Quest Diagnostics Nichols Institute San Juan Capistrano).